The following is an entry in ClinVar:

ClinVar aggregate classification (germline): Conflicting classifications of pathogenicity. Review status: criteria provided, conflicting classifications (1 of 4 stars). 4 submissions from 4 submitters: Uncertain significance (3); Likely benign (1). Last evaluated 2025-02-13.

Conditions:
Hereditary nonpolyposis colorectal neoplasms. Identifiers: MedGen C0009405, MeSH D003123.
Hereditary cancer-predisposing syndrome. Also called: Neoplastic Syndromes, Hereditary; Hereditary neoplastic syndrome; Tumor predisposition; Hereditary Cancer Syndrome. Identifiers: Orphanet 140162, MedGen C0027672, MeSH D009386, MONDO:0015356.
Mismatch repair cancer syndrome 1 (MMRCS1). Also called: BRAIN TUMOR-POLYPOSIS SYNDROME 1; CHILDHOOD CANCER SYNDROME; MISMATCH REPAIR DEFICIENCY; MMR DEFICIENCY; BTP1 SYNDROME. Identifiers: Orphanet 252202, MedGen C5399763, MONDO:0010159, OMIM 276300. Disease mechanism: loss of function.
Lynch syndrome 4 (LYNCH4). Also called: Hereditary non-polyposis colorectal cancer, type 4; Colorectal cancer, hereditary nonpolyposis, type 4. Identifiers: Orphanet 144, MedGen C1838333, MONDO:0013699, OMIM 614337. Disease mechanism: loss of function.
Lynch syndrome. Identifiers: Orphanet 144, MedGen C4552100, MONDO:0005835. Disease mechanism: loss of function.

gnomAD v4.1: 1 of 1,613,980 alleles (0.000062%); highest among the groups gnomAD compares: Non-Finnish European, 0.000085%; no homozygotes.

Submissions (4):

Labcorp Genetics (formerly Invitae), Labcorp
Classification: Uncertain significance for Hereditary nonpolyposis colorectal neoplasms. Last evaluated: 2025-02-13. Review status: criteria provided, single submitter. Criteria: Invitae Variant Classification Sherloc (09022015). Collection method: clinical testing. Allele origin: germline.
Comment: This sequence change replaces proline, which is neutral and non-polar, with leucine, which is neutral and non-polar, at codon 221 of the PMS2 protein (p.Pro221Leu). This variant is not present in population databases (gnomAD no frequency). This variant has not been reported in the literature in individuals affected with PMS2-related conditions. ClinVar contains an entry for this variant (Variation ID: 237924). Invitae Evidence Modeling incorporating data from in vitro experimental studies (internal data) indicates that this missense variant is not expected to disrupt PMS2 function with a negative predictive value of 95%. In summary, the available evidence is currently insufficient to determine the role of this variant in disease. Therefore, it has been classified as a Variant of Uncertain Significance.

Color Diagnostics, LLC DBA Color Health
Classification: Uncertain significance for Hereditary cancer-predisposing syndrome. Last evaluated: 2024-01-30. Review status: criteria provided, single submitter. Criteria: ACMG Guidelines, 2015. Collection method: clinical testing. Allele origin: germline.
Comment: This missense variant replaces proline with leucine at codon 221 of the PMS2 protein. Computational prediction suggests that this variant may not impact protein structure and function (internally defined REVEL score threshold <= 0.5, PMID: 27666373). To our knowledge, functional studies have not been reported for this variant. This variant has not been reported in individuals affected with PMS2-related disorders in the literature. This variant has not been identified in the general population by the Genome Aggregation Database (gnomAD). The available evidence is insufficient to determine the role of this variant in disease conclusively. Therefore, this variant is classified as a Variant of Uncertain Significance.

Ambry Genetics
Classification: Likely benign for Hereditary cancer-predisposing syndrome. Last evaluated: 2023-12-09. Review status: criteria provided, single submitter. Criteria: Ambry Variant Classification Scheme 2023. Collection method: clinical testing. Allele origin: germline.

All of Us Research Program, National Institutes of Health
Classification: Uncertain significance for Lynch syndrome. Last evaluated: 2023-06-28. Review status: criteria provided, single submitter. Criteria: ACMG Guidelines, 2015. Collection method: clinical testing. Allele origin: germline. Inheritance: Autosomal dominant inheritance. Observed: 1 variant allele, 1 heterozygote.
Comment: This missense variant replaces proline with leucine at codon 221 of the PMS2 protein. Computational prediction suggests that this variant may not impact protein structure and function (internally defined REVEL score threshold <= 0.5, PMID: 27666373). Splice site prediction tools suggest that this variant may not impact RNA splicing. To our knowledge, functional studies have not been performed for this variant. This variant has not been reported in individuals affected with hereditary cancer in the literature. This variant has not been identified in the general population by the Genome Aggregation Database (gnomAD). The available evidence is insufficient to determine the role of this variant in disease conclusively. Therefore, this variant is classified as a Variant of Uncertain Significance.

This study involves interpretation of variants in research participants for the purpose of population health screening. Participant phenotype was not available at the time of variant classification. Additional details can be found in publication PMID: 35346344, PMCID: PMC8962531

NM_000535.7(PMS2):c.662C>T (p.Pro221Leu)

Gene: PMS2 (PMS1 homolog 2, mismatch repair system component; minus strand). Cytogenetic location: 7p22.1.
Variant type: single nucleotide variant.
Coding change: c.662C>T on transcript NM_000535.7 (MANE Select); coding-DNA position 662, C replaced by T.
Protein change: p.Pro221Leu; replaces proline 221 with leucine.
Molecular consequence: missense variant. On other transcripts: 5 prime UTR variant (2), non-coding transcript variant (1), intron variant (1).
Genome position (GRCh38, 1-based): chr7:5,999,151, G>A on the plus strand (C>T on the coding strand, the complement: PMS2 is on the minus strand). VCF-style: chr7-5999151-G-A. GRCh37 (hg19) VCF-style: chr7-6038782-G-A.
Other names: c.257C>T, p.Pro86Leu (NM_001322003.2, NM_001322004.2, NM_001322005.2 and 2 more transcripts); c.662C>T, p.Pro221Leu (NM_001322006.2, NM_001322014.2); c.344C>T, p.Pro115Leu (NM_001322007.2, NM_001322008.2); c.-272C>T (NM_001322011.2, NM_001322012.2); c.353C>T, p.Pro118Leu (NM_001322015.2); c.133-1728C>T (NM_001322013.2); short protein forms P221L, P118L, P115L, P86L.
Identifiers: ClinVar variation 237924 (VCV000237924.20), dbSNP rs878854056, ClinGen allele CA10582522.